The following is an entry in ClinVar:

NM_003791.4(MBTPS1):c.1301G>A (p.Arg434His)

Gene: MBTPS1 (membrane bound transcription factor peptidase, site 1; minus strand). Cytogenetic location: 16q23.3.
Variant type: single nucleotide variant.
Coding change: c.1301G>A on transcript NM_003791.4 (MANE Select); coding-DNA position 1301, G replaced by A.
Protein change: p.Arg434His; replaces arginine 434 with histidine.
Molecular consequence: missense variant.
Genome position (GRCh38, 1-based): chr16:84,081,894, C>T on the plus strand (G>A on the coding strand, the complement: MBTPS1 is on the minus strand). VCF-style: chr16-84081894-C-T. GRCh37 (hg19) VCF-style: chr16-84115499-C-T.
Other names: short protein forms R434H.
Identifiers: ClinVar variation 3124129 (VCV003124129.3), dbSNP rs755593855, ClinGen allele CA8201371.
Genomic context (GRCh38, chr16:84,081,894, plus strand): 5'-GGGAGCCTCCGGGCTGACGCGATCAGGGCCTGCTTCATACTGGCGGGATTCACCAGCTCA[C>T]GCTTCTGGACTGTGCTGGAGGAAAAATCAAGAATTGCCTATTTTCTCTCAGTAAAAGAAT-3'
Protein context (NP_003782.1, residues 424-444): VTLLVSTVQK[Arg434His]ELVNPASMKQ

ClinVar aggregate classification (germline): Uncertain significance. Review status: criteria provided, multiple submitters, no conflicts (2 of 4 stars). 2 submissions from 2 submitters: Uncertain significance (2). Last evaluated 2026-03-03.

Conditions:
Inborn genetic diseases. Identifiers: MedGen C0950123, MeSH D030342.

Allele frequency attached by ClinVar (database versions not stated): ExAC 0.00002; gnomAD 0.00003.
gnomAD v4.1: 33 of 1,418,634 alleles (0.0023%); highest among the groups gnomAD compares: African/African-American, 0.0074%; no homozygotes.

Submissions (2):

Ambry Genetics
Classification: Uncertain significance for Inborn genetic diseases. Last evaluated: 2026-03-03. Review status: criteria provided, single submitter. Criteria: Ambry Variant Classification Scheme 2023. Collection method: clinical testing. Allele origin: germline.

Labcorp Genetics (formerly Invitae), Labcorp
Classification: Uncertain significance. Last evaluated: 2025-06-22. Review status: criteria provided, single submitter. Criteria: Invitae Variant Classification Sherloc (09022015). Collection method: clinical testing. Allele origin: germline.
Comment: This sequence change replaces arginine, which is basic and polar, with histidine, which is basic and polar, at codon 434 of the MBTPS1 protein (p.Arg434His). The frequency data for this variant in the population databases is considered unreliable, as metrics indicate poor data quality at this position in the gnomAD database. This variant has not been reported in the literature in individuals affected with MBTPS1-related conditions. ClinVar contains an entry for this variant (Variation ID: 3124129). An algorithm developed to predict the effect of missense changes on protein structure and function (PolyPhen-2) suggests that this variant is likely to be disruptive. In summary, the available evidence is currently insufficient to determine the role of this variant in disease. Therefore, it has been classified as a Variant of Uncertain Significance.